The following is an entry in ClinVar:

ClinVar aggregate classification (germline): Conflicting classifications of pathogenicity. Review status: criteria provided, conflicting classifications (1 of 4 stars). 3 submissions from 3 submitters: Uncertain significance (2); Likely benign (1). Last evaluated 2026-03-07.

Conditions:
Polycystic kidney disease 3 with or without polycystic liver disease. Also called: Polycystic kidney disease 3; Polycystic Kidney and/or Polycystic Liver Disease 3; POLYCYSTIC KIDNEY DISEASE, ADULT, TYPE III. Identifiers: MedGen C3887964, MONDO:0010916, OMIM 600666.

gnomAD v4.1: 38 of 1,600,094 alleles (0.0024%); highest among the groups gnomAD compares: South Asian, 0.041%; no homozygotes.

Submissions (3):

Centre for Medical Genetics,  Mumbai
Classification: Likely benign for Polycystic kidney disease 3 with or without polycystic liver disease. Last evaluated: 2026-03-07. Review status: criteria provided, single submitter. Criteria: ACMG Guidelines, 2015. Collection method: provider interpretation. Allele origin: germline. Inheritance: Autosomal dominant inheritance. Affected: no. Observed: 1 variant allele, 1 heterozygote.
Comment: The variant satisfies PM2 criteria; Extremely low frequency in gnomAD population databases. However, the variant satisfies BS2 criteria.

GeneDx
Classification: Uncertain significance. Last evaluated: 2025-04-24. Review status: criteria provided, single submitter. Criteria: GeneDx Variant Classification Process June 2021. Collection method: clinical testing. Allele origin: germline. Affected: yes.
Comment: In silico analysis indicates that this variant does not alter splicing; Has not been previously published as pathogenic or benign to our knowledge

Fulgent Genetics
Classification: Uncertain significance for Polycystic kidney disease 3 with or without polycystic liver disease. Last evaluated: 2024-05-08. Review status: criteria provided, single submitter. Criteria: ACMG Guidelines, 2015. Collection method: clinical testing. Allele origin: germline.

Literature cited by the submitters: PubMed 27259053 (cited by Centre for Medical Genetics,  Mumbai).

NM_198334.3(GANAB):c.560+441C>G

Gene: GANAB (glucosidase II alpha subunit; minus strand). Cytogenetic location: 11q12.3.
Variant type: single nucleotide variant.
Coding change: c.560+441C>G on transcript NM_198334.3 (MANE Select); 441 bases into the intron after coding-DNA position 560, C replaced by G.
Molecular consequence: intron variant.
Genome position (GRCh38, 1-based): chr11:62,634,380, G>C on the plus strand (C>G on the coding strand, the complement: GANAB is on the minus strand). VCF-style: chr11-62634380-G-C. GRCh37 (hg19) VCF-style: chr11-62401852-G-C.
Other names: c.218+441C>G (NM_001278193.2); c.219-5C>G (NM_001278192.2); c.269+441C>G (NM_001329223.2, NM_001278194.2, NM_001329222.2); c.-217+441C>G (NM_001329225.2, NM_001329224.2); c.561-5C>G (NM_198335.4).
Identifiers: ClinVar variation 3599889 (VCV003599889.3).